The following is an entry in ClinVar:

NM_003542.4(H4C3):c.282G>C (p.Gln94His)

Gene: H4C3 (H4 clustered histone 3; plus strand). Cytogenetic location: 6p22.2.
Variant type: single nucleotide variant.
Coding change: c.282G>C on transcript NM_003542.4 (MANE Select); coding-DNA position 282, G replaced by C.
Protein change: p.Gln94His; replaces glutamine 94 with histidine.
Molecular consequence: missense variant.
Genome position (GRCh38, 1-based): chr6:26,104,229, G>C. VCF-style: chr6-26104229-G-C. GRCh37 (hg19) VCF-style: chr6-26104457-G-C.
Other names: short protein forms Q94H.
Identifiers: ClinVar variation 5007004 (VCV005007004.2).

ClinVar aggregate classification (germline): Uncertain significance (1 of 4 stars; one submission).

Conditions:
Tessadori-van Haaften neurodevelopmental syndrome 1 (TEBIVANED1). Also called: TESSADORI-BICKNELL-VAN HAAFTEN NEURODEVELOPMENTAL SYNDROME 1. Identifiers: MedGen C5676922, MONDO:0030729, OMIM 619758.

gnomAD v4.1: 1 of 1,607,628 alleles (0.000062%); highest among the groups gnomAD compares: Non-Finnish European, 0.000085%; no homozygotes.

Submission:

Juno Genomics, Hangzhou Juno Genomics, Inc
Classification: Uncertain significance for Tessadori-van Haaften neurodevelopmental syndrome 1. Review status: criteria provided, single submitter. Criteria: ACMG Guidelines, 2015. Collection method: clinical testing. Allele origin: germline.
Comment: Absent from controls (or at extremely low frequency if recessive) in Genome Aggregation Database.;Multiple lines of computational evidence support a deleterious effect on the gene or gene product.